The following is an entry in ClinVar:

ClinVar aggregate classification (germline): Uncertain significance (1 of 4 stars; one submission).

Conditions:
Early-infantile DEE. Also called: Ohtahara syndrome; Early infantile epileptic encephalopathy with suppression bursts; Early infantile epileptic encephalopathy. Identifiers: Orphanet 1934, MedGen C0393706, MONDO:0800491.

Allele frequency attached by ClinVar (database versions not stated): gnomAD exomes below 0.00001; TOPMed below 0.00001; gnomAD 0.00001.
gnomAD v4.1: 3 of 1,613,258 alleles (0.00019%); highest among the groups gnomAD compares: Non-Finnish European, 0.00025%; no homozygotes.

Submission:

Labcorp Genetics (formerly Invitae), Labcorp
Classification: Uncertain significance for Early-infantile DEE. Last evaluated: 2020-08-31. Review status: criteria provided, single submitter. Criteria: Invitae Variant Classification Sherloc (09022015). Collection method: clinical testing. Allele origin: germline.
Comment: In summary, the available evidence is currently insufficient to determine the role of this variant in disease. Therefore, it has been classified as a Variant of Uncertain Significance. Algorithms developed to predict the effect of missense changes on protein structure and function are either unavailable or do not agree on the potential impact of this missense change (SIFT: "Deleterious"; PolyPhen-2: "Possibly Damaging"; Align-GVGD: "Class C0"). This variant has not been reported in the literature in individuals with CACNA2D2-related conditions. This variant is not present in population databases (ExAC no frequency). This sequence change replaces isoleucine with threonine at codon 527 of the CACNA2D2 protein (p.Ile527Thr). The isoleucine residue is moderately conserved and there is a moderate physicochemical difference between isoleucine and threonine.

NM_006030.4(CACNA2D2):c.1580T>C (p.Ile527Thr)

Gene: CACNA2D2 (calcium voltage-gated channel auxiliary subunit alpha2delta 2; minus strand). Cytogenetic location: 3p21.31.
Variant type: single nucleotide variant.
Coding change: c.1580T>C on transcript NM_006030.4 (MANE Select); coding-DNA position 1580, T replaced by C.
Protein change: p.Ile527Thr; replaces isoleucine 527 with threonine.
Molecular consequence: missense variant.
Genome position (GRCh38, 1-based): chr3:50,377,513, A>G on the plus strand (T>C on the coding strand, the complement: CACNA2D2 is on the minus strand). VCF-style: chr3-50377513-A-G. GRCh37 (hg19) VCF-style: chr3-50414944-A-G.
Other names: c.1580T>C, p.Ile527Thr (NM_001005505.3, NM_001174051.3); c.1373T>C, p.Ile458Thr (NM_001291101.1); short protein forms I458T, I527T.
Identifiers: ClinVar variation 1018604 (VCV001018604.6), dbSNP rs1705053799, ClinGen allele CA352927606.